The following is an entry in ClinVar:

NM_020638.3(FGF23):c.335A>G (p.Asn112Ser)

Gene: FGF23 (fibroblast growth factor 23; minus strand). Cytogenetic location: 12p13.32.
Variant type: single nucleotide variant.
Coding change: c.335A>G on transcript NM_020638.3 (MANE Select); coding-DNA position 335, A replaced by G.
Protein change: p.Asn112Ser; replaces asparagine 112 with serine.
Molecular consequence: missense variant.
Genome position (GRCh38, 1-based): chr12:4,370,764, T>C on the plus strand (A>G on the coding strand, the complement: FGF23 is on the minus strand). VCF-style: chr12-4370764-T-C. GRCh37 (hg19) VCF-style: chr12-4479930-T-C.
Other names: short protein forms N112S.
Identifiers: ClinVar variation 3665778 (VCV003665778.2).

ClinVar aggregate classification (germline): Uncertain significance (1 of 4 stars; one submission).

Submission:

Labcorp Genetics (formerly Invitae), Labcorp
Classification: Uncertain significance. Last evaluated: 2024-10-12. Review status: criteria provided, single submitter. Criteria: Invitae Variant Classification Sherloc (09022015). Collection method: clinical testing. Allele origin: germline.
Comment: This sequence change replaces asparagine, which is neutral and polar, with serine, which is neutral and polar, at codon 112 of the FGF23 protein (p.Asn112Ser). This variant is not present in population databases (gnomAD no frequency). This variant has not been reported in the literature in individuals affected with FGF23-related conditions. Invitae Evidence Modeling of protein sequence and biophysical properties (such as structural, functional, and spatial information, amino acid conservation, physicochemical variation, residue mobility, and thermodynamic stability) indicates that this missense variant is not expected to disrupt FGF23 protein function with a negative predictive value of 95%. In summary, the available evidence is currently insufficient to determine the role of this variant in disease. Therefore, it has been classified as a Variant of Uncertain Significance.